The following is an entry in ClinVar:

NM_020919.4(ALS2):c.2352-12T>A

Gene: ALS2 (alsin Rho guanine nucleotide exchange factor ALS2; minus strand). Cytogenetic location: 2q33.1.
Variant type: single nucleotide variant.
Coding change: c.2352-12T>A on transcript NM_020919.4 (MANE Select); 12 bases into the intron before coding-DNA position 2352, T replaced by A.
Molecular consequence: intron variant.
Genome position (GRCh38, 1-based): chr2:201,738,747, A>T on the plus strand (T>A on the coding strand, the complement: ALS2 is on the minus strand). VCF-style: chr2-201738747-A-T. GRCh37 (hg19) VCF-style: chr2-202603470-A-T.
Identifiers: ClinVar variation 1978681 (VCV001978681.4), dbSNP rs2469828967, ClinGen allele CA2580065446.

ClinVar aggregate classification (germline): Uncertain significance (1 of 4 stars; one submission).

Conditions:
Infantile-onset ascending hereditary spastic paralysis (IAHSP). Also called: Autosomal Recessive Juvenile Amyotrophic Lateral Sclerosis; Infantile-Onset Ascending Hereditary Spastic Paralysis (IAHSP). Identifiers: Orphanet 293168, MedGen C2931441, MONDO:0011797, OMIM 607225. Disease mechanism: loss of function.

Submission:

Labcorp Genetics (formerly Invitae), Labcorp
Classification: Uncertain significance for Infantile-onset ascending hereditary spastic paralysis. Last evaluated: 2022-08-22. Review status: criteria provided, single submitter. Criteria: Invitae Variant Classification Sherloc (09022015). Collection method: clinical testing. Allele origin: germline.
Comment: This sequence change falls in intron 11 of the ALS2 gene. It does not directly change the encoded amino acid sequence of the ALS2 protein. This variant is not present in population databases (gnomAD no frequency). This variant has not been reported in the literature in individuals affected with ALS2-related conditions. Algorithms developed to predict the effect of sequence changes on RNA splicing suggest that this variant may disrupt the consensus splice site. In summary, the available evidence is currently insufficient to determine the role of this variant in disease. Therefore, it has been classified as a Variant of Uncertain Significance.